The following is an entry in ClinVar:

ClinVar aggregate classification (germline): Conflicting classifications of pathogenicity. Review status: criteria provided, conflicting classifications (1 of 4 stars). 2 submissions from 2 submitters: Uncertain significance (1); Benign (1). Last evaluated 2022-08-01.

Conditions:
Neuropathy, hereditary sensory and autonomic, type 1C. Also called: HSAN IC; HSN IC. Identifiers: Orphanet 36386, MedGen C3150896, MONDO:0013337, OMIM 613640.

Allele frequency attached by ClinVar (database versions not stated): gnomAD 0.00018 and 0.00019; 1000 Genomes Project 0.00020; TOPMed 0.00021; 1000 Genomes Project 30x 0.00047.

Submissions (2):

CeGaT Center for Human Genetics Tuebingen
Classification: Benign. Last evaluated: 2022-08-01. Review status: criteria provided, single submitter. Criteria: CeGaT Center For Human Genetics Tuebingen Variant Classification Criteria Version 2. Collection method: clinical testing. Allele origin: germline. Affected: yes. Observed: 1 variant allele.
Comment: SPTLC2: BS1, BS2

Illumina Laboratory Services, Illumina
Classification: Uncertain significance for Neuropathy, hereditary sensory and autonomic, type 1C. Last evaluated: 2018-01-13. Review status: criteria provided, single submitter. Criteria: ICSL Variant Classification Criteria 13 December 2019. Collection method: clinical testing. Allele origin: germline.

NM_004863.4(SPTLC2):c.*5357A>G

Gene: SPTLC2 (serine palmitoyltransferase long chain base subunit 2; minus strand). Cytogenetic location: 14q24.3.
Variant type: single nucleotide variant.
Coding change: c.*5357A>G on transcript NM_004863.4 (MANE Select); 5357 bases downstream of the stop codon, A replaced by G.
Molecular consequence: 3 prime UTR variant.
Genome position (GRCh38, 1-based): chr14:77,506,927, T>C on the plus strand (A>G on the coding strand, the complement: SPTLC2 is on the minus strand). VCF-style: chr14-77506927-T-C. GRCh37 (hg19) VCF-style: chr14-77973270-T-C.
Identifiers: ClinVar variation 314578 (VCV000314578.29), dbSNP rs139325375, ClinGen allele CA10641127.
Genomic context (GRCh38, chr14:77,506,927, plus strand): 5'-AAAGAACAGAGCTTTGGGTATTGCTTCATTAAGAACACAGTAACTGCAGTTTAAAAGCCA[T>C]TGCATTCTTTAGGGTCAGTTTATTATAACTTATCCTACCAGAAAGAATCACAGTTTAAGG-3'